The following is an entry in ClinVar:

NM_153700.2(STRC):c.3077G>A (p.Gly1026Glu)

Gene: STRC (stereocilin; minus strand). Cytogenetic location: 15q15.3.
Variant type: single nucleotide variant.
Coding change: c.3077G>A on transcript NM_153700.2 (MANE Select); coding-DNA position 3077, G replaced by A.
Protein change: p.Gly1026Glu; replaces glycine 1026 with glutamic acid.
Molecular consequence: missense variant.
Genome position (GRCh38, 1-based): chr15:43,611,864, C>T on the plus strand (G>A on the coding strand, the complement: STRC is on the minus strand). VCF-style: chr15-43611864-C-T. GRCh37 (hg19) VCF-style: chr15-43904062-C-T.
Other names: short protein forms G1026E.
Identifiers: ClinVar variation 2633951 (VCV002633951.2), dbSNP rs2507593853, ClinGen allele CA392174398.

ClinVar aggregate classification (germline): Uncertain significance (1 of 4 stars; one submission).

Conditions:
STRC-related disorder. Also called: STRC-related condition.

Submission:

PreventionGenetics, part of Exact Sciences
Classification: Uncertain significance for STRC-related condition. Last evaluated: 2025-09-29. Review status: criteria provided, single submitter. Criteria: ACMG Guidelines, 2015. Collection method: clinical testing. Allele origin: germline.
Comment: The STRC c.3077G>A variant is predicted to result in the amino acid substitution p.Gly1026Glu. To our knowledge, this variant has not been reported in the literature or in a large population database (gnomAD), indicating this variant is rare. At this time, the clinical significance of this variant is uncertain due to the absence of conclusive functional and genetic evidence.